The following is an entry in ClinVar:

NM_024675.4(PALB2):c.3008_3009delinsTTACAGAGG (p.Asn1003fs)

Gene: PALB2 (partner and localizer of BRCA2; minus strand). Cytogenetic location: 16p12.2.
Variant type: Indel.
Coding change: c.3008_3009delinsTTACAGAGG on transcript NM_024675.4 (MANE Select); coding-DNA positions 3008 to 3009, AC replaced by TTACAGAGG.
Protein change: p.Asn1003fs; shifts the reading frame from asparagine 1003.
Molecular consequence: frameshift variant. On other transcripts: intron variant (1).
Genome position (GRCh38, 1-based): chr16:23,621,466-23,621,467, GT replaced by CCTCTGTAA on the plus strand (AC replaced by TTACAGAGG on the coding strand, the reverse complement: PALB2 is on the minus strand). VCF-style: chr16-23621466-GT-CCTCTGTAA. GRCh37 (hg19) VCF-style: chr16-23632787-GT-CCTCTGTAA.
Other names: c.2948_2949delinsTTACAGAGG, p.Asn983fs (NM_001407296.1); c.2936_2937delinsTTACAGAGG, p.Asn979fs (NM_001407297.1); c.2846_2847delinsTTACAGAGG, p.Asn949fs (NM_001407298.1, NM_001407302.1); c.3008_3009delinsTTACAGAGG, p.Asn1003fs (NM_001407299.1, NM_001407301.1); c.2123_2124delinsTTACAGAGG, p.Asn708fs (NM_001407304.1, NM_001407305.1, NM_001407306.1 and 4 more transcripts); c.1961_1962delinsTTACAGAGG, p.Asn654fs (NM_001407307.1); c.1220_1221delinsTTACAGAGG, p.Asn407fs (NM_001407312.1, NM_001407313.1); c.542_543delinsTTACAGAGG, p.Asn181fs (NM_001407314.1); and 1 more; short protein forms N1003fs, N181fs, N407fs, N654fs, N708fs, N949fs, N979fs, N983fs.
Identifiers: ClinVar variation 2674098 (VCV002674098.1), dbSNP rs2506320726, ClinGen allele CA2695197590.

ClinVar aggregate classification (germline): Pathogenic (1 of 4 stars; one submission).

Conditions:
Familial cancer of breast. Also called: Hereditary breast cancer; BREAST CANCER, FAMILIAL; hereditary breast carcinoma. Identifiers: Orphanet 227535, MedGen C0346153, MONDO:0016419, OMIM 114480. Disease mechanism: loss of function.

Submission:

Myriad Genetics, Inc.
Classification: Pathogenic for Familial cancer of breast. Last evaluated: 2023-09-14. Review status: criteria provided, single submitter. Criteria: Myriad Autosomal Dominant, Autosomal Recessive and X-Linked Classification Criteria (2023). Collection method: clinical testing. Allele origin: unknown.
Comment: This variant is considered pathogenic. This variant creates a frameshift predicted to result in premature protein truncation.